The following is an entry in ClinVar:

NM_017841.4(SDHAF2):c.265T>G (p.Phe89Val)

Gene: SDHAF2 (succinate dehydrogenase complex assembly factor 2; plus strand). Cytogenetic location: 11q12.2.
Variant type: single nucleotide variant.
Coding change: c.265T>G on transcript NM_017841.4 (MANE Select); coding-DNA position 265, T replaced by G.
Protein change: p.Phe89Val; replaces phenylalanine 89 with valine.
Molecular consequence: missense variant.
Genome position (GRCh38, 1-based): chr11:61,438,008, T>G. VCF-style: chr11-61438008-T-G. GRCh37 (hg19) VCF-style: chr11-61205480-T-G.
Other names: short protein forms F89V.
Identifiers: ClinVar variation 2841677 (VCV002841677.3), dbSNP rs746968831, ClinGen allele CA380684018.

ClinVar aggregate classification (germline): Uncertain significance (1 of 4 stars; one submission).

Conditions:
Hereditary pheochromocytoma and paraganglioma. Also called: Hereditary paragangliomas and pheochromocytomas; Hereditary Paraganglioma-Pheochromocytoma Syndromes; Hereditary pheochromocytoma-paraganglioma. Identifiers: Orphanet 29072, MedGen C4274332, MONDO:0017366.

Submission:

Labcorp Genetics (formerly Invitae), Labcorp
Classification: Uncertain significance for Hereditary pheochromocytoma and paraganglioma. Last evaluated: 2025-07-30. Review status: criteria provided, single submitter. Criteria: Invitae Variant Classification Sherloc (09022015). Collection method: clinical testing. Allele origin: germline.
Comment: This sequence change replaces phenylalanine, which is neutral and non-polar, with valine, which is neutral and non-polar, at codon 89 of the SDHAF2 protein (p.Phe89Val). This variant is not present in population databases (gnomAD no frequency). This variant has not been reported in the literature in individuals affected with SDHAF2-related conditions. ClinVar contains an entry for this variant (Variation ID: 2841677). An algorithm developed to predict the effect of missense changes on protein structure and function (PolyPhen-2) suggests that this variant is likely to be disruptive. In summary, the available evidence is currently insufficient to determine the role of this variant in disease. Therefore, it has been classified as a Variant of Uncertain Significance.